The following is an entry in ClinVar:

ClinVar aggregate classification (germline): Conflicting classifications of pathogenicity. Review status: criteria provided, conflicting classifications (1 of 4 stars). 7 submissions from 7 submitters: Uncertain significance (3); Benign (1); Likely benign (3). Last evaluated 2026-09-15.

Conditions:
SOS1-related disorder. Also called: SOS1-related condition.
Cardiovascular phenotype. Identifiers: MedGen CN230736.
RASopathy. Also called: Noonan spectrum disorder; rasopathies. Identifiers: Orphanet 536391, MedGen C5555857, MONDO:0021060.
Noonan syndrome 4 (NS4). Also called: SOS1-Related Noonan Syndrome; NOONAN SYNDROME WITH PIGMENTED VILLONODULAR SYNOVITIS. Identifiers: Orphanet 648, MedGen C1853120, MONDO:0012547, OMIM 610733.

Allele frequency attached by ClinVar (database versions not stated): ExAC 0.00001; gnomAD exomes 0.00001; gnomAD 0.00014 and 0.00016; TOPMed 0.00026.
gnomAD v4.1: 33 of 1,613,778 alleles (0.002%); highest among the groups gnomAD compares: Admixed American, 0.042%; no homozygotes.

Submissions (7):

PreventionGenetics, part of Exact Sciences
Classification: Uncertain significance for SOS1-related condition. Last evaluated: 2026-09-15. Review status: criteria provided, single submitter. Criteria: ACMG Guidelines, 2015. Collection method: clinical testing. Allele origin: germline.
Comment: The SOS1 c.3706C>A variant is predicted to result in the amino acid substitution p.Pro1236Thr. To our knowledge, this variant has not been reported in the literature. This variant is reported in 0.0028% of alleles in individuals of Latino descent in gnomAD. Although we suspect that this variant may be benign, at this time, the clinical significance of this variant is uncertain due to the absence of conclusive functional and genetic evidence.

Labcorp Genetics (formerly Invitae), Labcorp
Classification: Likely benign for RASopathy. Last evaluated: 2025-07-28. Review status: criteria provided, single submitter. Criteria: Invitae Variant Classification Sherloc (09022015). Collection method: clinical testing. Allele origin: germline.

Women's Health and Genetics/Laboratory Corporation of America, LabCorp
Classification: Uncertain significance. Last evaluated: 2024-04-11. Review status: criteria provided, single submitter. Criteria: LabCorp Variant Classification Summary - May 2015. Collection method: clinical testing. Allele origin: germline.
Comment: Variant summary: SOS1 c.3706C>A (p.Pro1236Thr) results in a non-conservative amino acid change in the encoded protein sequence. Four of five in-silico tools predict a damaging effect of the variant on protein function. The variant allele was found at a frequency of 8e-06 in 251168 control chromosomes. The available data on variant occurrences in the general population are insufficient to allow any conclusion about variant significance. To our knowledge, no occurrence of c.3706C>A in individuals affected with Noonan Syndrome and no experimental evidence demonstrating its impact on protein function have been reported. ClinVar contains an entry for this variant (Variation ID: 179112). Based on the evidence outlined above, the variant was classified as uncertain significance.

St. Jude Molecular Pathology, St. Jude Children's Research Hospital
Classification: Uncertain significance for Noonan syndrome 4. Last evaluated: 2022-09-01. Review status: criteria provided, single submitter. Criteria: St. Jude Assertion Criteria 2020. Collection method: clinical testing. Allele origin: germline.
Comment: The SOS1 c.3706C>A (p.Pro1236Thr) missense change has a maximum subpopulation frequency of 0.0028% in gnomAD v2.1.1. The in silico tool REVEL is inconclusive about a pathogenic or benign effect of this variant on protein function, and to our knowledge functional studies have not been performed. To our knowledge, this variant has not been reported in individuals with Noonan syndrome. In summary, the evidence currently available is insufficient to determine the clinical significance of this variant. It has therefore been classified as of uncertain significance.

GeneDx
Classification: Likely benign. Last evaluated: 2020-11-17. Review status: criteria provided, single submitter. Criteria: GeneDx Variant Classification Process June 2021. Collection method: clinical testing. Allele origin: germline. Affected: yes.

Ambry Genetics
Classification: Likely benign for Cardiovascular phenotype. Last evaluated: 2020-03-10. Review status: criteria provided, single submitter. Criteria: Ambry Variant Classification Scheme 2023. Collection method: clinical testing. Allele origin: germline.

Laboratory for Molecular Medicine, Mass General Brigham Personalized Medicine
Classification: Benign. Last evaluated: 2014-12-30. Review status: criteria provided, single submitter. Criteria: LMM Criteria. Collection method: clinical testing. Allele origin: germline. Observed: 6 variant alleles.
Comment: p.Pro1236Thr in exon 23 of SOS1: This variant is not expected to have clinical s ignificance because it was identified in 2 probands with clinical features of No onan syndrome who inherited the variant from unaffected parents, one parent car ried the variant in an apparently homozygous state (LMM unpublished data). In ad dition, 2 unaffected siblings from one of these families also carried the varian t. This variant has also been identified in 1/67696 European chromosomes by the Exome Aggregation Consortium (ExAC).

NM_005633.4(SOS1):c.3706C>A (p.Pro1236Thr)

Gene: SOS1 (SOS Ras/Rac guanine nucleotide exchange factor 1; minus strand). Cytogenetic location: 2p22.1.
Variant type: single nucleotide variant.
Coding change: c.3706C>A on transcript NM_005633.4 (MANE Select); coding-DNA position 3706, C replaced by A.
Protein change: p.Pro1236Thr; replaces proline 1236 with threonine.
Molecular consequence: missense variant.
Genome position (GRCh38, 1-based): chr2:38,986,120, G>T on the plus strand (C>A on the coding strand, the complement: SOS1 is on the minus strand). VCF-style: chr2-38986120-G-T. GRCh37 (hg19) VCF-style: chr2-39213261-G-T.
Other names: c.3685C>A, p.Pro1229Thr (NM_001382394.1); c.3661C>A, p.Pro1221Thr (NM_001382395.1); short protein forms P1236T, P1221T, P1229T.
Identifiers: ClinVar variation 179112 (VCV000179112.19), dbSNP rs727504636, ClinGen allele CA183755.